The following is an entry in ClinVar:

ClinVar aggregate classification (germline): Likely benign (1 of 4 stars; one submission).

Submission:

CeGaT Center for Human Genetics Tuebingen
Classification: Likely benign. Last evaluated: 2026-05-01. Review status: criteria provided, single submitter. Criteria: CeGaT Center For Human Genetics Tuebingen Variant Classification Criteria Version 2. Collection method: clinical testing. Allele origin: germline. Affected: yes. Observed: 1 variant allele.
Comment: RHOBTB2: PM2:Supporting, BP4, BP7

NM_015178.3(RHOBTB2):c.339T>C (p.Asn113=)

Gene: RHOBTB2 (Rho related BTB domain containing 2; plus strand). Cytogenetic location: 8p21.3.
Variant type: single nucleotide variant.
Coding change: c.339T>C on transcript NM_015178.3 (MANE Select); coding-DNA position 339, T replaced by C.
Protein change: p.Asn113=; no amino-acid change (asparagine 113 retained).
Molecular consequence: synonymous variant.
Genome position (GRCh38, 1-based): chr8:23,006,002, T>C. VCF-style: chr8-23006002-T-C. GRCh37 (hg19) VCF-style: chr8-22863515-T-C.
Other names: c.405T>C, p.Asn135= (NM_001160036.2); c.360T>C, p.Asn120= (NM_001160037.2); c.339T>C, p.Asn113= (NM_001374791.1).
Identifiers: ClinVar variation 4872801 (VCV004872801.2).